The following is an entry in ClinVar:

ClinVar aggregate classification (germline): Benign/Likely benign. Review status: criteria provided, multiple submitters, no conflicts (2 of 4 stars). 3 submissions from 3 submitters: Benign (1); Likely benign (2). Last evaluated 2026-07-13.

Conditions:
Rhabdoid tumor predisposition syndrome 2 (RTPS2). Identifiers: Orphanet 231108, Orphanet 69077, MedGen C2750074, MONDO:0013224, OMIM 613325.
Hereditary cancer-predisposing syndrome. Also called: Tumor predisposition; Neoplastic Syndromes, Hereditary; Hereditary Cancer Syndrome; Hereditary neoplastic syndrome. Identifiers: Orphanet 140162, MedGen C0027672, MeSH D009386, MONDO:0015356.

gnomAD v4.1: 1 of 1,613,734 alleles (0.000062%); highest among the groups gnomAD compares: Non-Finnish European, 0.000085%; no homozygotes.

Submissions (3):

Myriad Genetics, Inc.
Classification: Benign for Rhabdoid tumor predisposition syndrome 2. Last evaluated: 2026-07-13. Review status: criteria provided, single submitter. Criteria: Myriad Autosomal Dominant, Autosomal Recessive and X-Linked Classification Criteria (2023). Collection method: clinical testing. Allele origin: unknown.
Comment: This variant is considered benign. This variant is a silent/synonymous amino acid change and it is not expected to impact splicing.

Labcorp Genetics (formerly Invitae), Labcorp
Classification: Likely benign for Rhabdoid tumor predisposition syndrome 2. Last evaluated: 2025-12-22. Review status: criteria provided, single submitter. Criteria: Invitae Variant Classification Sherloc (09022015). Collection method: clinical testing. Allele origin: germline.

Ambry Genetics
Classification: Likely benign for Hereditary cancer-predisposing syndrome. Last evaluated: 2021-08-24. Review status: criteria provided, single submitter. Criteria: Ambry Variant Classification Scheme 2023. Collection method: clinical testing. Allele origin: germline.

NM_003072.5(SMARCA4):c.2046G>T (p.Leu682=)

Gene: SMARCA4 (SWI/SNF related BAF chromatin remodeling complex subunit ATPase 4; plus strand). Cytogenetic location: 19p13.2.
Variant type: single nucleotide variant.
Coding change: c.2046G>T on transcript NM_003072.5 (MANE Select); coding-DNA position 2046, G replaced by T.
Protein change: p.Leu682=; no amino-acid change (leucine 682 retained).
Molecular consequence: synonymous variant. On other transcripts: non-coding transcript variant (1).
Genome position (GRCh38, 1-based): chr19:11,007,946, G>T. VCF-style: chr19-11007946-G-T. GRCh37 (hg19) VCF-style: chr19-11118622-G-T.
Other names: c.2046G>T, p.Leu682= (NM_001128844.3, NM_001128845.2, NM_001128846.2 and 5 more transcripts).
Identifiers: ClinVar variation 537901 (VCV000537901.13), dbSNP rs1555771596, ClinGen allele CA505486772.